The following is an entry in ClinVar:

ClinVar aggregate classification (germline): Benign (0 of 4 stars; one submission).

Conditions:
ADAM22-related disorder. Also called: ADAM22-related condition.

Allele frequency attached by ClinVar (database versions not stated): 1000 Genomes Project 30x 0.00531; 1000 Genomes Project 0.00619; TOPMed 0.01356; gnomAD 0.01446; ESP Exome Variant Server 0.01600; ExAC 0.01645; gnomAD exomes 0.01812.
gnomAD v4.1: 28,487 of 1,613,174 alleles (1.8%); highest among the groups gnomAD compares: Non-Finnish European, 2.1%; 314 homozygotes.

Submission:

PreventionGenetics, part of Exact Sciences
Classification: Benign for ADAM22-related condition. Last evaluated: 2019-04-10. Review status: no assertion criteria provided. Collection method: clinical testing. Allele origin: germline.
Comment: This variant is classified as benign based on ACMG/AMP sequence variant interpretation guidelines (Richards et al. 2015 PMID: 25741868, with internal and published modifications).

NM_001324418.2(ADAM22):c.382G>A (p.Glu128Lys)

Gene: ADAM22 (ADAM metallopeptidase domain 22; plus strand). Cytogenetic location: 7q21.12.
Variant type: single nucleotide variant.
Coding change: c.382G>A on transcript NM_001324418.2 (MANE Select); coding-DNA position 382, G replaced by A.
Protein change: p.Glu128Lys; replaces glutamic acid 128 with lysine.
Molecular consequence: missense variant.
Genome position (GRCh38, 1-based): chr7:88,075,684, G>A. VCF-style: chr7-88075684-G-A. GRCh37 (hg19) VCF-style: chr7-87704999-G-A.
Other names: c.379G>A, p.Glu127Lys (NM_001324417.2, NM_001324419.2, NM_001391978.1 and 2 more transcripts); c.382G>A, p.Glu128Lys (NM_001324420.2, NM_001324421.2, NM_001391976.1 and 6 more transcripts); c.433G>A, p.Glu145Lys (NM_001391975.1, NM_001391980.1, NM_001391982.1); short protein forms E127K, E128K, E145K.
Identifiers: ClinVar variation 3038107 (VCV003038107.2), dbSNP rs111428945, ClinGen allele CA4330175.